The following is an entry in ClinVar:

NM_000540.3(RYR1):c.1925+86T>C

Gene: RYR1 (ryanodine receptor 1; plus strand). Cytogenetic location: 19q13.2.
Variant type: single nucleotide variant.
Coding change: c.1925+86T>C on transcript NM_000540.3 (MANE Select); 86 bases into the intron after coding-DNA position 1925, T replaced by C.
Molecular consequence: intron variant.
Genome position (GRCh38, 1-based): chr19:38,457,716, T>C. VCF-style: chr19-38457716-T-C. GRCh37 (hg19) VCF-style: chr19-38948356-T-C.
Other names: c.1925+86T>C (NM_001042723.2).
Identifiers: ClinVar variation 133110 (VCV000133110.3), dbSNP rs2071085, ClinGen allele CA024320.

ClinVar aggregate classification (germline): Benign. Review status: criteria provided, multiple submitters, no conflicts (2 of 4 stars). 3 submissions from 3 submitters: Benign (2). 1 of the submissions does not count toward it. Last evaluated 2018-06-14.

Allele frequency attached by ClinVar (database versions not stated): 1000 Genomes Project 0.58387; 1000 Genomes Project 30x 0.58713; gnomAD exomes 0.64073; gnomAD 0.64519 and 0.65304; TOPMed 0.64872.
gnomAD v4.1: 895,086 of 1,395,246 alleles (64%); highest among the groups gnomAD compares: Admixed American, 69%; 290,728 homozygotes.

Submissions (3):

GeneDx
Classification: Benign. Last evaluated: 2018-06-14. Review status: criteria provided, single submitter. Criteria: GeneDx Variant Classification (06012015). Collection method: clinical testing. Allele origin: germline. Affected: yes.
Comment: This variant is considered likely benign or benign based on one or more of the following criteria: it is a conservative change, it occurs at a poorly conserved position in the protein, it is predicted to be benign by multiple in silico algorithms, and/or has population frequency not consistent with disease.

Breakthrough Genomics
Classification: Benign. Review status: criteria provided, single submitter. Criteria: ACMG Guidelines, 2015. Collection method: not provided. Allele origin: germline. Inheritance: Autosomal recessive inheritance. Affected: yes.

RYR1 database
No classification provided. Review status: no classification provided. Collection method: not provided. Allele origin: unknown. Not counted in ClinVar's aggregate classification.